The following is an entry in ClinVar:

ClinVar aggregate classification (germline): Conflicting classifications of pathogenicity. Review status: criteria provided, conflicting classifications (1 of 4 stars). 6 submissions from 6 submitters: Uncertain significance (1); Likely benign (5). Last evaluated 2026-04-01.

Conditions:
TNXB-related disorder. Also called: TNXB-related condition.
Cardiovascular phenotype. Identifiers: MedGen CN230736.

Allele frequency attached by ClinVar (database versions not stated): gnomAD exomes 0.00030; 1000 Genomes Project 30x 0.00031; ESP Exome Variant Server 0.00039; 1000 Genomes Project 0.00040; ExAC 0.00040; gnomAD 0.00065; TOPMed 0.00073.
gnomAD v4.1: 344 of 1,613,056 alleles (0.021%); highest among the groups gnomAD compares: African/African-American, 0.18%; no homozygotes.

Submissions (6):

PreventionGenetics, part of Exact Sciences
Classification: Likely benign for TNXB-related condition. Last evaluated: 2026-04-01. Review status: criteria provided, single submitter. Criteria: ACMG Guidelines, 2015. Collection method: clinical testing. Allele origin: germline.
Comment: This variant is classified as likely benign based on ACMG/AMP sequence variant interpretation guidelines (Richards et al. 2015 PMID: 25741868, with internal and published modifications).

Labcorp Genetics (formerly Invitae), Labcorp
Classification: Likely benign. Last evaluated: 2026-01-28. Review status: criteria provided, single submitter. Criteria: Invitae Variant Classification Sherloc (09022015). Collection method: clinical testing. Allele origin: germline.

GeneDx
Classification: Uncertain significance. Last evaluated: 2025-08-21. Review status: criteria provided, single submitter. Criteria: GeneDx Variant Classification Process June 2021. Collection method: clinical testing. Allele origin: germline. Affected: yes.
Comment: Has not been previously published as pathogenic or benign to our knowledge; In silico analysis supports that this missense variant has a deleterious effect on protein structure/function

Women's Health and Genetics/Laboratory Corporation of America, LabCorp
Classification: Likely benign. Last evaluated: 2025-07-01. Review status: criteria provided, single submitter. Criteria: LabCorp Variant Classification Summary - May 2015. Collection method: clinical testing. Allele origin: germline.
Comment: Variant summary: TNXB c.8285A>G (p.His2762Arg) results in a non-conservative amino acid change in the encoded protein sequence. Algorithms developed to predict the effect of missense changes on protein structure and function are either unavailable or do not agree on the potential impact of this missense change. The variant allele was found at a frequency of 0.0003 in 245768 control chromosomes, predominantly at a frequency of 0.0025 within the African or African-American subpopulation in the gnomAD database. The observed variant frequency within African or African-American control individuals in the gnomAD database is approximately 2.24 fold of the estimated maximal expected allele frequency for a pathogenic variant in TNXB causing Ehlers-Danlos syndrome due to tenascin-X deficiency phenotype (0.0011). To our knowledge, no occurrence of c.8285A>G in individuals affected with Ehlers-Danlos syndrome due to tenascin-X deficiency and no experimental evidence demonstrating its impact on protein function have been reported. ClinVar contains an entry for this variant (Variation ID: 1341666). Based on the evidence outlined above, the variant was classified as likely benign.

Ambry Genetics
Classification: Likely benign for Cardiovascular phenotype. Last evaluated: 2025-02-19. Review status: criteria provided, single submitter. Criteria: Ambry Variant Classification Scheme 2023. Collection method: clinical testing. Allele origin: germline.

Mayo Clinic Laboratories, Mayo Clinic
Classification: Likely benign. Last evaluated: 2025-01-20. Review status: criteria provided, single submitter. Criteria: ACMG Guidelines, 2015. Collection method: clinical testing. Allele origin: germline. Observed: 1 variant allele.
Comment: BS1, BP4_moderate

NM_001365276.2(TNXB):c.8285A>G (p.His2762Arg)

Gene: TNXB (tenascin XB; minus strand). Cytogenetic location: 6p21.33.
Variant type: single nucleotide variant.
Coding change: c.8285A>G on transcript NM_001365276.2 (MANE Select); coding-DNA position 8285, A replaced by G.
Protein change: p.His2762Arg; replaces histidine 2762 with arginine.
Molecular consequence: missense variant.
Genome position (GRCh38, 1-based): chr6:32,056,033, T>C on the plus strand (A>G on the coding strand, the complement: TNXB is on the minus strand). VCF-style: chr6-32056033-T-C. GRCh37 (hg19) VCF-style: chr6-32023810-T-C.
Other names: p.His2762Arg; c.8285A>G, p.His2762Arg (NM_019105.8); short protein forms H2762R.
Identifiers: ClinVar variation 1341666 (VCV001341666.13), dbSNP rs376978176, ClinGen allele CA3733899.
Genomic context (GRCh38, chr6:32,056,033, plus strand): 5'-ACACGCATCACCTGGGGCCGCCCGTCCCTGTCCTTGTACTGCACGGTGAAGGAGTCGAAG[T>C]GGCCCTGGGGGATGGTCCAGGAGAGGCTCAGCGAGTCAGGGGAGGATCCTGTCACTGTCA-3'
Protein context (NP_001352205.1, residues 2752-2772): LSLSWTIPQG[His2762Arg]FDSFTVQYKD